The following is an entry in ClinVar:

NM_000388.4(CASR):c.2873A>G (p.Gln958Arg)

Gene: CASR (calcium sensing receptor; plus strand). Cytogenetic location: 3q21.1.
Variant type: single nucleotide variant.
Coding change: c.2873A>G on transcript NM_000388.4 (MANE Select); coding-DNA position 2873, A replaced by G.
Protein change: p.Gln958Arg; replaces glutamine 958 with arginine.
Molecular consequence: missense variant.
Genome position (GRCh38, 1-based): chr3:122,284,827, A>G. VCF-style: chr3-122284827-A-G. GRCh37 (hg19) VCF-style: chr3-122003674-A-G.
Other names: c.2903A>G, p.Gln968Arg (NM_001178065.2); short protein forms Q968R, Q958R.
Identifiers: ClinVar variation 1797071 (VCV001797071.2), dbSNP rs2473282384, ClinGen allele CA354160953.

ClinVar aggregate classification (germline): Uncertain significance (1 of 4 stars; one submission).

Conditions:
Nephrolithiasis/nephrocalcinosis. Identifiers: MedGen CN580796.

Submission:

Ambry Genetics
Classification: Uncertain significance for Nephrolithiasis/nephrocalcinosis. Last evaluated: 2021-08-30. Review status: criteria provided, single submitter. Criteria: Ambry Variant Classification Scheme 2023. Collection method: clinical testing. Allele origin: germline.
Comment: The p.Q958R variant (also known as c.2873A>G), located in coding exon 6 of the CASR gene, results from an A to G substitution at nucleotide position 2873. The glutamine at codon 958 is replaced by arginine, an amino acid with highly similar properties. This amino acid position is conserved. In addition, this alteration is predicted to be tolerated by in silico analysis. Since supporting evidence is limited at this time, the clinical significance of this alteration remains unclear.